The following is an entry in ClinVar:

ClinVar aggregate classification (germline): Pathogenic (1 of 4 stars; one submission).

Conditions:
Spastic paraplegia. Identifiers: MedGen C0037772, HP:0001258.

Submission:

Labcorp Genetics (formerly Invitae), Labcorp
Classification: Pathogenic for Spastic paraplegia. Last evaluated: 2025-08-15. Review status: criteria provided, single submitter. Criteria: Invitae Variant Classification Sherloc (09022015). Collection method: clinical testing. Allele origin: germline.
Comment: This sequence change creates a premature translational stop signal (p.Gly134Hisfs*34) in the GJC2 gene. While this is not anticipated to result in nonsense mediated decay, it is expected to disrupt the last 306 amino acid(s) of the GJC2 protein. This variant is not present in population databases (gnomAD no frequency). This variant has not been reported in the literature in individuals affected with GJC2-related conditions. This variant disrupts a region of the GJC2 protein in which other variant(s) (p.Arg240*) have been determined to be pathogenic (PMID: 7057822, 31912665, 33547378). This suggests that this is a clinically significant region of the protein, and that variants that disrupt it are likely to be disease-causing. For these reasons, this variant has been classified as Pathogenic.

Literature cited by the submitters: PubMed 7057822; PubMed 31912665; PubMed 33547378.

NM_020435.4(GJC2):c.400_437del (p.Gly134fs)

Gene: GJC2 (gap junction protein gamma 2; plus strand). Cytogenetic location: 1q42.13.
Variant type: Deletion.
Coding change: c.400_437del on transcript NM_020435.4 (MANE Select); coding-DNA positions 400 to 437, 38 bases deleted.
Protein change: p.Gly134fs; shifts the reading frame from glycine 134.
Molecular consequence: frameshift variant.
Genome position (GRCh38, 1-based): chr1:228,158,158-228,158,195, 38 bases deleted; deleting any 38 consecutive bases within chr1:228,158,155-228,158,195 gives the same sequence; the c. name uses the placement nearest the transcript's 3' end. GRCh37 (hg19): chr1:228,345,859-228,345,896.
Other names: short protein forms G134fs.
Identifiers: ClinVar variation 4725482 (VCV004725482.1).